The following is an entry in ClinVar:

ClinVar aggregate classification (germline): Uncertain significance (1 of 4 stars; one submission).

Allele frequency attached by ClinVar (database versions not stated): ExAC 0.00002; gnomAD 0.00002 and 0.00003; gnomAD exomes 0.00002; TOPMed 0.00003; 1000 Genomes Project 30x 0.00016; 1000 Genomes Project 0.00020.
gnomAD v4.1: 27 of 1,608,492 alleles (0.0017%); highest among the groups gnomAD compares: South Asian, 0.0088%; no homozygotes.

Submission:

Labcorp Genetics (formerly Invitae), Labcorp
Classification: Uncertain significance for Combined immunodeficiency due to DOCK8 deficiency. Last evaluated: 2025-01-12. Review status: criteria provided, single submitter. Criteria: Invitae Variant Classification Sherloc (09022015). Collection method: clinical testing. Allele origin: germline.
Comment: This sequence change replaces valine, which is neutral and non-polar, with methionine, which is neutral and non-polar, at codon 789 of the DOCK8 protein (p.Val789Met). This variant is present in population databases (rs531535885, gnomAD 0.01%). This variant has not been reported in the literature in individuals affected with DOCK8-related conditions. ClinVar contains an entry for this variant (Variation ID: 1390867). Invitae Evidence Modeling of protein sequence and biophysical properties (such as structural, functional, and spatial information, amino acid conservation, physicochemical variation, residue mobility, and thermodynamic stability) indicates that this missense variant is expected to disrupt DOCK8 protein function with a positive predictive value of 80%. In summary, the available evidence is currently insufficient to determine the role of this variant in disease. Therefore, it has been classified as a Variant of Uncertain Significance.

NM_203447.4(DOCK8):c.2365G>A (p.Val789Met)

Gene: DOCK8 (dedicator of cytokinesis 8; plus strand). Cytogenetic location: 9p24.3.
Variant type: single nucleotide variant.
Coding change: c.2365G>A on transcript NM_203447.4 (MANE Select); coding-DNA position 2365, G replaced by A.
Protein change: p.Val789Met; replaces valine 789 with methionine.
Molecular consequence: missense variant.
Genome position (GRCh38, 1-based): chr9:377,136, G>A. VCF-style: chr9-377136-G-A. GRCh37 (hg19) VCF-style: chr9-377136-G-A.
Other names: c.2161G>A, p.Val721Met (NM_001190458.2, NM_001193536.2); short protein forms V721M, V789M.
Identifiers: ClinVar variation 1390867 (VCV001390867.6), dbSNP rs531535885, ClinGen allele CA4958174.
Genomic context (GRCh38, chr9:377,136, plus strand): 5'-CTGGAGCATGAGCTGAAGCTCAGCATCATCTGCCTGAACTCCTCCCGCCTGGAGCCGCTC[G>A]TGCTCTTCCTGCACCTGGTGCTGGACAAGCTCTTCCAGCTGTCCGTGCAGCCCATGGTCA-3'
Protein context (NP_982272.2, residues 779-799): CLNSSRLEPL[Val789Met]LFLHLVLDKL